The following is an entry in ClinVar:

ClinVar aggregate classification (germline): Uncertain significance (1 of 4 stars; one submission).

Conditions:
Progressive familial heart block type IB (PFHB1B). Identifiers: Orphanet 871, MedGen C1970298, MONDO:0011474, OMIM 604559.

Submission:

Labcorp Genetics (formerly Invitae), Labcorp
Classification: Uncertain significance for Progressive familial heart block type IB. Last evaluated: 2024-09-23. Review status: criteria provided, single submitter. Criteria: Invitae Variant Classification Sherloc (09022015). Collection method: clinical testing. Allele origin: germline.
Comment: This sequence change replaces glutamic acid, which is acidic and polar, with lysine, which is basic and polar, at codon 1176 of the TRPM4 protein (p.Glu1176Lys). This variant is not present in population databases (gnomAD no frequency). This variant has not been reported in the literature in individuals affected with TRPM4-related conditions. An algorithm developed to predict the effect of missense changes on protein structure and function (PolyPhen-2) suggests that this variant is likely to be tolerated. In summary, the available evidence is currently insufficient to determine the role of this variant in disease. Therefore, it has been classified as a Variant of Uncertain Significance.

NM_017636.4(TRPM4):c.3526G>A (p.Glu1176Lys)

Gene: TRPM4 (transient receptor potential cation channel subfamily M member 4; plus strand). Cytogenetic location: 19q13.33.
Variant type: single nucleotide variant.
Coding change: c.3526G>A on transcript NM_017636.4 (MANE Select); coding-DNA position 3526, G replaced by A.
Protein change: p.Glu1176Lys; replaces glutamic acid 1176 with lysine.
Molecular consequence: missense variant.
Genome position (GRCh38, 1-based): chr19:49,211,079, G>A. VCF-style: chr19-49211079-G-A. GRCh37 (hg19) VCF-style: chr19-49714336-G-A.
Other names: c.3091G>A, p.Glu1031Lys (NM_001195227.2); c.3181G>A, p.Glu1061Lys (NM_001321281.2); c.1918G>A, p.Glu640Lys (NM_001321282.2); c.3004G>A, p.Glu1002Lys (NM_001321283.2); c.2464G>A, p.Glu822Lys (NM_001321285.2); short protein forms E822K, E1061K, E1002K, E1031K, E1176K, E640K.
Identifiers: ClinVar variation 3691082 (VCV003691082.2).